The following is an entry in ClinVar:

ClinVar aggregate classification (germline): Pathogenic (1 of 4 stars; one submission).

Conditions:
Nance-Horan syndrome (NHS). Identifiers: Orphanet 627, MedGen C0796085, MONDO:0010545, OMIM 302350.

Submission:

Labcorp Genetics (formerly Invitae), Labcorp
Classification: Pathogenic for Nance-Horan syndrome. Last evaluated: 2025-11-27. Review status: criteria provided, single submitter. Criteria: Invitae Variant Classification Sherloc (09022015). Collection method: clinical testing. Allele origin: germline.
Comment: This sequence change creates a premature translational stop signal (p.Asp79Alafs*99) in the NHS gene. It is expected to result in an absent or disrupted protein product. Loss-of-function variants in NHS are known to be pathogenic (PMID: 14564667, 19414485). This variant is not present in population databases (gnomAD no frequency). This variant has not been reported in the literature in individuals affected with NHS-related conditions. For these reasons, this variant has been classified as Pathogenic.

Literature cited by the submitters: PubMed 14564667; PubMed 19414485.

NM_001291867.2(NHS):c.236_249del (p.Asp79fs)

Gene: NHS (NHS actin remodeling regulator; plus strand). Cytogenetic location: Xp22.2.
Variant type: Deletion.
Coding change: c.236_249del on transcript NM_001291867.2 (MANE Select); coding-DNA positions 236 to 249, 14 bases deleted (ACCAGACTCAGCCG).
Protein change: p.Asp79fs; shifts the reading frame from aspartic acid 79.
Molecular consequence: frameshift variant.
Genome position (GRCh38, 1-based): chrX:17,375,993-17,376,006, ACCAGACTCAGCCG deleted; deleting any 14 consecutive bases within chrX:17,375,989-17,376,006 gives the same sequence; the c. name uses the placement nearest the transcript's 3' end. VCF-style (leftmost placement, unchanged base first): chrX-17375988-GGCCGACCAGACTCA-G. GRCh37 (hg19) VCF-style: chrX-17394111-GGCCGACCAGACTCA-G.
Other names: c.236_249del, p.Asp79fs (NM_198270.4); short protein forms D79fs.
Identifiers: ClinVar variation 4732156 (VCV004732156.1).